The following is an entry in ClinVar:

ClinVar aggregate classification (germline): Likely benign. Review status: criteria provided, multiple submitters, no conflicts (2 of 4 stars). 3 submissions from 3 submitters: Likely benign (2). 1 of the submissions does not count toward it. Last evaluated 2025-06-04.

Conditions:
ABCA4-related disorder. Also called: ABCA4-related disorders; ABCA4-related condition. Identifiers: MedGen CN239167.

Allele frequency attached by ClinVar (database versions not stated): gnomAD exomes 0.00007; ExAC 0.00008; ESP Exome Variant Server 0.00015; gnomAD 0.00019; TOPMed 0.00027; 1000 Genomes Project 30x 0.00031; 1000 Genomes Project 0.00040.
gnomAD v4.1: 141 of 1,614,228 alleles (0.0087%); highest among the groups gnomAD compares: African/African-American, 0.085%; no homozygotes.

Submissions (3):

Labcorp Genetics (formerly Invitae), Labcorp
Classification: Likely benign. Last evaluated: 2025-06-04. Review status: criteria provided, single submitter. Criteria: Invitae Variant Classification Sherloc (09022015). Collection method: clinical testing. Allele origin: germline.

Blueprint Genetics
Classification: Likely benign. Last evaluated: 2024-09-16. Review status: criteria provided, single submitter. Criteria: ACMG Guidelines, 2015. Collection method: clinical testing. Allele origin: germline.

PreventionGenetics, part of Exact Sciences
Classification: Likely benign for ABCA4-related condition. Last evaluated: 2023-11-21. Review status: no assertion criteria provided. Collection method: clinical testing. Allele origin: germline. Not counted in ClinVar's aggregate classification.
Comment: This variant is classified as likely benign based on ACMG/AMP sequence variant interpretation guidelines (Richards et al. 2015 PMID: 25741868, with internal and published modifications).

NM_000350.3(ABCA4):c.4284G>A (p.Thr1428=)

Gene: ABCA4 (ATP binding cassette subfamily A member 4; minus strand). Cytogenetic location: 1p22.1.
Variant type: single nucleotide variant.
Coding change: c.4284G>A on transcript NM_000350.3 (MANE Select); coding-DNA position 4284, G replaced by A.
Protein change: p.Thr1428=; no amino-acid change (threonine 1428 retained).
Molecular consequence: synonymous variant.
Genome position (GRCh38, 1-based): chr1:94,030,496, C>T on the plus strand (G>A on the coding strand, the complement: ABCA4 is on the minus strand). VCF-style: chr1-94030496-C-T. GRCh37 (hg19) VCF-style: chr1-94496052-C-T.
Other names: c.4062G>A, p.Thr1354= (NM_001425324.1).
Identifiers: ClinVar variation 725000 (VCV000725000.14), dbSNP rs146715683, ClinGen allele CA957659.